The following is an entry in ClinVar:

ClinVar aggregate classification (germline): Likely benign (0 of 4 stars; one submission).

Conditions:
PLXNA3-related disorder. Also called: PLXNA3-related condition.

gnomAD v4.1: 8 of 1,191,412 alleles (0.00067%); highest among the groups gnomAD compares: African/African-American, 0.0035%; no homozygotes.

Submission:

PreventionGenetics, part of Exact Sciences
Classification: Likely benign for PLXNA3-related condition. Last evaluated: 2024-01-16. Review status: no assertion criteria provided. Collection method: clinical testing. Allele origin: germline.
Comment: This variant is classified as likely benign based on ACMG/AMP sequence variant interpretation guidelines (Richards et al. 2015 PMID: 25741868, with internal and published modifications).

NM_017514.5(PLXNA3):c.3821-5C>G

Gene: PLXNA3 (plexin A3; plus strand). Cytogenetic location: Xq28.
Variant type: single nucleotide variant.
Coding change: c.3821-5C>G on transcript NM_017514.5 (MANE Select); 5 bases into the intron before coding-DNA position 3821, C replaced by G.
Molecular consequence: intron variant.
Genome position (GRCh38, 1-based): chrX:154,468,077, C>G. VCF-style: chrX-154468077-C-G. GRCh37 (hg19) VCF-style: chrX-153696420-C-G.
Identifiers: ClinVar variation 3350707 (VCV003350707.1).
Genomic context (GRCh38, chrX:154,468,077, plus strand): 5'-CGGGATGTGGTGTGGAAGCTGGGGACCTCCCTCCTGCCCACTCATTCCCTCTCTCCACCC[C>G]CCAGCTTTTGCAGAGCTGCAGACGGACATCAATGAGCTGACTAACCACATGGACGAGGTG-3'